The following is an entry in ClinVar:

ClinVar aggregate classification (germline): Uncertain significance (1 of 4 stars; one submission).

Submission:

Ambry Genetics
Classification: Uncertain significance. Last evaluated: 2024-04-24. Review status: criteria provided, single submitter. Criteria: Ambry Variant Classification Scheme 2023. Collection method: clinical testing. Allele origin: germline.
Comment: The p.M429I variant (also known as c.1287G>T), located in coding exon 10 of the RECQL gene, results from a G to T substitution at nucleotide position 1287. The methionine at codon 429 is replaced by isoleucine, an amino acid with highly similar properties. This amino acid position is conserved. In addition, the in silico prediction for this alteration is inconclusive. Based on the available evidence, the clinical significance of this variant remains unclear.

NM_002907.4(RECQL):c.1287G>T (p.Met429Ile)

Gene: RECQL (RecQ like helicase; minus strand). Cytogenetic location: 12p12.1.
Variant type: single nucleotide variant.
Coding change: c.1287G>T on transcript NM_002907.4 (MANE Select); coding-DNA position 1287, G replaced by T.
Protein change: p.Met429Ile; replaces methionine 429 with isoleucine.
Molecular consequence: missense variant.
Genome position (GRCh38, 1-based): chr12:21,474,909, C>A on the plus strand (G>T on the coding strand, the complement: RECQL is on the minus strand). VCF-style: chr12-21474909-C-A. GRCh37 (hg19) VCF-style: chr12-21627843-C-A.
Other names: c.1287G>T, p.Met429Ile (NM_032941.3); short protein forms M429I.
Identifiers: ClinVar variation 3313507 (VCV003313507.1).
Genomic context (GRCh38, chr12:21,474,909, plus strand): 5'-GTTTTGACAGTATGATACCATCTCATAAAGCTTCTGCTGTCCCACATTTTCCATCACCAC[C>A]ATTGAACTTATTCTGAATATATCTCCAAAGCCGTAGTACAAAATACAGTCTGCTTTCATG-3'
Protein context (NP_002898.2, residues 419-439): GFGDIFRISS[Met429Ile]VVMENVGQQK